The following is an entry in ClinVar:

NM_016008.4(DYNC2LI1):c.16C>T (p.Leu6Phe)

Gene: DYNC2LI1 (dynein cytoplasmic 2 light intermediate chain 1; plus strand). Cytogenetic location: 2p21.
Variant type: single nucleotide variant.
Coding change: c.16C>T on transcript NM_016008.4 (MANE Select); coding-DNA position 16, C replaced by T.
Protein change: p.Leu6Phe; replaces leucine 6 with phenylalanine.
Molecular consequence: missense variant.
Genome position (GRCh38, 1-based): chr2:43,776,789, C>T. VCF-style: chr2-43776789-C-T. GRCh37 (hg19) VCF-style: chr2-44003928-C-T.
Other names: c.16C>T, p.Leu6Phe (NM_001193464.2, NM_001348912.2, NM_001348913.2 and 1 more transcripts); short protein forms L6F.
Identifiers: ClinVar variation 719316 (VCV000719316.14), dbSNP rs146698690, ClinGen allele CA1635652.

ClinVar aggregate classification (germline): Likely benign. Review status: criteria provided, multiple submitters, no conflicts (2 of 4 stars). 4 submissions from 4 submitters: Likely benign (2). 2 of the submissions do not count toward it. Last evaluated 2026-02-01.

Conditions:
Short-rib thoracic dysplasia 15 with polydactyly (SRTD15). Identifiers: MedGen C4310724, MONDO:0014907, OMIM 617088.
DYNC2LI1-related disorder. Also called: DYNC2LI1-related condition.

Allele frequency attached by ClinVar (database versions not stated): gnomAD exomes 0.00057; ExAC 0.00074; 1000 Genomes Project 0.00120; 1000 Genomes Project 30x 0.00141; gnomAD 0.00250 and 0.00271; TOPMed 0.00254; ESP Exome Variant Server 0.00300.
gnomAD v4.1: 658 of 1,572,062 alleles (0.042%); highest among the groups gnomAD compares: African/African-American, 0.78%; 1 homozygote.

Submissions (4):

Labcorp Genetics (formerly Invitae), Labcorp
Classification: Likely benign. Last evaluated: 2026-02-01. Review status: criteria provided, single submitter. Criteria: Invitae Variant Classification Sherloc (09022015). Collection method: clinical testing. Allele origin: germline.

Breakthrough Genomics
Classification: Likely benign. Review status: criteria provided, single submitter. Criteria: ACMG Guidelines, 2015. Collection method: not provided. Allele origin: germline. Inheritance: Autosomal recessive inheritance. Affected: yes.

Biochemical Molecular Genetic Laboratory, King Abdulaziz Medical City
Classification: Likely pathogenic for Short-rib thoracic dysplasia 15 with polydactyly. Last evaluated: 2019-09-26. Review status: no assertion criteria provided. Collection method: clinical testing. Allele origin: germline. Affected: yes. Not counted in ClinVar's aggregate classification.

PreventionGenetics, part of Exact Sciences
Classification: Likely benign for DYNC2LI1-related condition. Last evaluated: 2019-08-09. Review status: no assertion criteria provided. Collection method: clinical testing. Allele origin: germline. Not counted in ClinVar's aggregate classification.
Comment: This variant is classified as likely benign based on ACMG/AMP sequence variant interpretation guidelines (Richards et al. 2015 PMID: 25741868, with internal and published modifications).